The following is an entry in ClinVar:

NM_001387430.1(SH2B1):c.1499C>T (p.Pro500Leu)

Gene: SH2B1 (SH2B adaptor protein 1; plus strand). Cytogenetic location: 16p11.2.
Variant type: single nucleotide variant.
Coding change: c.1499C>T on transcript NM_001387430.1 (MANE Select); coding-DNA position 1499, C replaced by T.
Protein change: p.Pro500Leu; replaces proline 500 with leucine.
Molecular consequence: missense variant.
Genome position (GRCh38, 1-based): chr16:28,871,969, C>T. VCF-style: chr16-28871969-C-T. GRCh37 (hg19) VCF-style: chr16-28883290-C-T.
Other names: c.1499C>T, p.Pro500Leu (NM_001145795.2, NM_001145796.2, NM_001145797.2 and 4 more transcripts); c.491C>T, p.Pro164Leu (NM_001308294.2); short protein forms P164L, P500L.
Identifiers: ClinVar variation 3317997 (VCV003317997.2).
Genomic context (GRCh38, chr16:28,871,969, plus strand): 5'-AGGGACCCCCAACAGGGACAGTTCATCCCCTCTCAGCCCCCTACCCTCCCTTGGACACTC[C>T]GGAAACAGCCACAGGTACCGGAGGTGTGAGTGTGCATGTCTCCAGGCCTGGGTGCCTACC-3'
Protein context (NP_001374359.1, residues 490-510): LSAPYPPLDT[Pro500Leu]ETATGSFLFQ

ClinVar aggregate classification (germline): Uncertain significance. Review status: criteria provided, single submitter (1 of 4 stars). 2 submissions from 2 submitters: Uncertain significance (1). 1 of the submissions does not count toward it. Last evaluated 2024-03-19.

Conditions:
SH2B1-related disorder. Also called: SH2B1-related condition.

gnomAD v4.1: 19 of 1,603,108 alleles (0.0012%); highest among the groups gnomAD compares: Middle Eastern, 0.017%; no homozygotes.

Submissions (2):

Ambry Genetics
Classification: Uncertain significance. Last evaluated: 2024-03-19. Review status: criteria provided, single submitter. Criteria: Ambry Variant Classification Scheme 2023. Collection method: clinical testing. Allele origin: germline.

PreventionGenetics, part of Exact Sciences
Classification: Uncertain significance for SH2B1-related condition. Last evaluated: 2024-05-24. Review status: no assertion criteria provided. Collection method: clinical testing. Allele origin: germline. Not counted in ClinVar's aggregate classification.
Comment: The SH2B1 c.1499C>T variant is predicted to result in the amino acid substitution p.Pro500Leu. To our knowledge, this variant has not been reported in the literature or in a large population database, indicating this variant is rare. At this time, the clinical significance of this variant is uncertain due to the absence of conclusive functional and genetic evidence.